The following is an entry in ClinVar:

ClinVar aggregate classification (germline): Benign/Likely benign. Review status: criteria provided, multiple submitters, no conflicts (2 of 4 stars). 7 submissions from 6 submitters: Benign (5); Likely benign (2). Last evaluated 2026-01-18.

Conditions:
Senior-Loken syndrome 4 (SLSN4). Identifiers: Orphanet 3156, MedGen C1846979, MONDO:0011756, OMIM 606996.
Nephronophthisis 4 (NPHP4). Also called: NEPHRONOPHTHISIS 4, JUVENILE. Identifiers: Orphanet 655, MedGen C1847013, MONDO:0011752, OMIM 606966.
Nephronophthisis. Also called: Juvenile Nephronophthisis. Identifiers: Orphanet 655, MedGen C0687120, MONDO:0019005, HP:0000090.

Allele frequency attached by ClinVar (database versions not stated): gnomAD exomes 0.00080; ExAC 0.00151; gnomAD 0.00379 and 0.00401; ESP Exome Variant Server 0.00383; TOPMed 0.00416; 1000 Genomes Project 0.00459; 1000 Genomes Project 30x 0.00515.
gnomAD v4.1: 1,124 of 1,601,012 alleles (0.07%); highest among the groups gnomAD compares: African/African-American, 1.3%; 9 homozygotes.

Submissions (7):

Labcorp Genetics (formerly Invitae), Labcorp
Classification: Benign for Nephronophthisis. Last evaluated: 2026-01-18. Review status: criteria provided, single submitter. Criteria: Invitae Variant Classification Sherloc (09022015). Collection method: clinical testing. Allele origin: germline.

Mayo Clinic Laboratories, Mayo Clinic
Classification: Likely benign. Last evaluated: 2025-07-15. Review status: criteria provided, single submitter. Criteria: ACMG Guidelines, 2015. Collection method: clinical testing. Allele origin: germline. Observed: 3 variant alleles.
Comment: BA1, BP4, BP7

Blueprint Genetics
Classification: Likely benign. Last evaluated: 2024-09-12. Review status: criteria provided, single submitter. Criteria: ACMG Guidelines, 2015. Collection method: clinical testing. Allele origin: germline.

Illumina Laboratory Services, Illumina
Classification: Benign for Senior-Loken syndrome 4. Last evaluated: 2018-01-13. Review status: criteria provided, single submitter. Criteria: ICSL Variant Classification Criteria 13 December 2019. Collection method: clinical testing. Allele origin: germline.
Comment: This variant was observed in the ICSL laboratory as part of a predisposition screen in an ostensibly healthy population. It had not been previously curated by ICSL or reported in the Human Gene Mutation Database (HGMD: prior to June 1st, 2018), and was therefore a candidate for classification through an automated scoring system. Utilizing variant allele frequency, disease prevalence and penetrance estimates, and inheritance mode, an automated score was calculated to assess if this variant is too frequent to cause the disease. Based on the score and internal cut-off values, a variant classified as benign is not then subjected to further curation. The score for this variant resulted in a classification of benign for this disease.

Illumina Laboratory Services, Illumina
Classification: Benign for Nephronophthisis 4. Last evaluated: 2018-01-13. Review status: criteria provided, single submitter. Criteria: ICSL Variant Classification Criteria 13 December 2019. Collection method: clinical testing. Allele origin: germline.
Comment: the same text as in the submission from Illumina Laboratory Services, Illumina above.

Breakthrough Genomics
Classification: Benign. Review status: criteria provided, single submitter. Criteria: ACMG Guidelines, 2015. Collection method: not provided. Allele origin: germline. Inheritance: Autosomal recessive inheritance. Affected: yes.

PreventionGenetics, part of Exact Sciences
Classification: Benign. Review status: criteria provided, single submitter. Criteria: ACMG Guidelines, 2015. Collection method: clinical testing. Allele origin: germline.

NM_015102.5(NPHP4):c.279+11G>A

Gene: NPHP4 (nephrocystin 4; minus strand). Cytogenetic location: 1p36.31.
Variant type: single nucleotide variant.
Coding change: c.279+11G>A on transcript NM_015102.5 (MANE Select); 11 bases into the intron after coding-DNA position 279, G replaced by A.
Molecular consequence: intron variant.
Genome position (GRCh38, 1-based): chr1:5,978,259, C>T on the plus strand (G>A on the coding strand, the complement: NPHP4 is on the minus strand). VCF-style: chr1-5978259-C-T. GRCh37 (hg19) VCF-style: chr1-6038319-C-T.
Other names: p.?; c.-1087-9000G>A (NM_001291594.2); c.-951+11G>A (NM_001291593.2).
Identifiers: ClinVar variation 260548 (VCV000260548.17), dbSNP rs113902159, ClinGen allele CA554887.